The following is an entry in ClinVar:

ClinVar aggregate classification (germline): Likely benign (1 of 4 stars; one submission).

Submission:

CeGaT Center for Human Genetics Tuebingen
Classification: Likely benign. Last evaluated: 2023-02-01. Review status: criteria provided, single submitter. Criteria: CeGaT Center For Human Genetics Tuebingen Variant Classification Criteria Version 2. Collection method: clinical testing. Allele origin: germline. Affected: yes. Observed: 1 variant allele.
Comment: DKK2: BS2

NC_000004.12:g.107308037TA[2]

Gene: DKK2 (dickkopf Wnt signaling pathway inhibitor 2; minus strand). Cytogenetic location: 4q25.
Variant type: Microsatellite.
Genome position: GRCh38 VCF-style: chr4-107308035-CAT-C. GRCh37 (hg19) VCF-style: chr4-108229192-CAT-C.
Identifiers: ClinVar variation 2655011 (VCV002655011.24), dbSNP rs202204890, ClinGen allele CA103534056.